The following is an entry in ClinVar:

ClinVar aggregate classification (germline): Pathogenic. Review status: criteria provided, multiple submitters, no conflicts (2 of 4 stars). 2 submissions from 2 submitters: Pathogenic (2). Last evaluated 2023-12-07.

Conditions:
Familial adenomatous polyposis 4 (FAP4). Also called: MSH3-related attenuated familial adenomatous polyposis. Identifiers: Orphanet 480536, MedGen C4310719, MONDO:0044300, OMIM 617100.
Hereditary cancer-predisposing syndrome. Also called: Tumor predisposition; Hereditary neoplastic syndrome; Neoplastic Syndromes, Hereditary; Hereditary Cancer Syndrome. Identifiers: Orphanet 140162, MedGen C0027672, MeSH D009386, MONDO:0015356.

Submissions (2):

Ambry Genetics
Classification: Pathogenic for Hereditary cancer-predisposing syndrome. Last evaluated: 2023-12-07. Review status: criteria provided, single submitter. Criteria: Ambry Variant Classification Scheme 2023. Collection method: clinical testing. Allele origin: germline.
Comment: The c.1305_1308delAACA pathogenic mutation, located in coding exon 8 of the MSH3 gene, results from a deletion of 4 nucleotides at nucleotide positions 1305 to 1308, causing a translational frameshift with a predicted alternate stop codon (p.T436Rfs*59). This alteration is expected to result in loss of function by premature protein truncation or nonsense-mediated mRNA decay. As such, this alteration is interpreted as a disease-causing mutation.

Myriad Genetics, Inc.
Classification: Pathogenic for Familial adenomatous polyposis 4. Last evaluated: 2023-08-29. Review status: criteria provided, single submitter. Criteria: Myriad Autosomal Dominant, Autosomal Recessive and X-Linked Classification Criteria (2023). Collection method: clinical testing. Allele origin: unknown.
Comment: This variant is considered pathogenic. This variant creates a frameshift predicted to result in premature protein truncation.

NM_002439.5(MSH3):c.1305_1308del (p.Thr436fs)

Gene: MSH3 (mutS homolog 3; plus strand). Cytogenetic location: 5q14.1.
Variant type: Deletion.
Coding change: c.1305_1308del on transcript NM_002439.5 (MANE Select); coding-DNA positions 1305 to 1308, 4 bases deleted (AACA; older notation c.1305_1308delAACA).
Protein change: p.Thr436fs; shifts the reading frame from threonine 436.
Molecular consequence: frameshift variant.
Genome position (GRCh38, 1-based): chr5:80,679,058-80,679,061, AACA deleted; deleting any 4 consecutive bases within chr5:80,679,056-80,679,061 gives the same sequence; the c. name uses the placement nearest the transcript's 3' end. VCF-style (leftmost placement, unchanged base first): chr5-80679055-GCAAA-G. GRCh37 (hg19) VCF-style: chr5-79974874-GCAAA-G.
Other names: c.1305_1308delAACA (NM_002439.3); short protein forms T436fs.
Identifiers: ClinVar variation 2673557 (VCV002673557.2), dbSNP rs2546726670, ClinGen allele CA2695198656.